The following is an entry in ClinVar:

ClinVar aggregate classification (germline): Uncertain significance (1 of 4 stars; one submission).

Allele frequency attached by ClinVar (database versions not stated): ExAC 0.00001; gnomAD 0.00003; gnomAD exomes 0.00003; TOPMed 0.00004.
gnomAD v4.1: 42 of 1,614,078 alleles (0.0026%); highest among the groups gnomAD compares: Middle Eastern, 0.082%; no homozygotes.

Submission:

Labcorp Genetics (formerly Invitae), Labcorp
Classification: Uncertain significance. Last evaluated: 2025-09-07. Review status: criteria provided, single submitter. Criteria: Invitae Variant Classification Sherloc (09022015). Collection method: clinical testing. Allele origin: germline.
Comment: This sequence change replaces threonine, which is neutral and polar, with methionine, which is neutral and non-polar, at codon 871 of the DSCAML1 protein (p.Thr871Met). This variant is present in population databases (rs758143629, gnomAD 0.008%). This variant has not been reported in the literature in individuals affected with DSCAML1-related conditions. ClinVar contains an entry for this variant (Variation ID: 1900767). An algorithm developed to predict the effect of missense changes on protein structure and function (PolyPhen-2) suggests that this variant is likely to be disruptive. In summary, the available evidence is currently insufficient to determine the role of this variant in disease. Therefore, it has been classified as a Variant of Uncertain Significance.

NM_020693.4(DSCAML1):c.2432C>T (p.Thr811Met)

Gene: DSCAML1 (DS cell adhesion molecule like 1; minus strand). Cytogenetic location: 11q23.3.
Variant type: single nucleotide variant.
Coding change: c.2432C>T on transcript NM_020693.4 (MANE Select); coding-DNA position 2432, C replaced by T.
Protein change: p.Thr811Met; replaces threonine 811 with methionine.
Molecular consequence: missense variant.
Genome position (GRCh38, 1-based): chr11:117,482,090, G>A on the plus strand (C>T on the coding strand, the complement: DSCAML1 is on the minus strand). VCF-style: chr11-117482090-G-A. GRCh37 (hg19) VCF-style: chr11-117352805-G-A.
Other names: c.2432C>T, p.Thr811Met (NM_001367904.1); short protein forms T811M.
Identifiers: ClinVar variation 1900767 (VCV001900767.5), dbSNP rs758143629, ClinGen allele CA6297009.